The following is an entry in ClinVar:

NM_031844.3(HNRNPU):c.484del (p.Gln162fs)

Gene: HNRNPU (heterogeneous nuclear ribonucleoprotein U; minus strand). Cytogenetic location: 1q44.
Variant type: Deletion.
Coding change: c.484del on transcript NM_031844.3 (MANE Select); coding-DNA position 484, one base deleted (C; older notation c.484delC).
Protein change: p.Gln162fs; shifts the reading frame from glutamine 162.
Molecular consequence: frameshift variant.
Genome position (GRCh38, 1-based): chr1:244,863,824, G deleted on the plus strand (C on the coding strand, the reverse complement: HNRNPU is on the minus strand). VCF-style (leftmost placement, unchanged base first): chr1-244863823-TG-T. GRCh37 (hg19) VCF-style: chr1-245027125-TG-T.
Other names: c.484del, p.Gln162fs (NM_004501.3); short protein forms Q162fs.
Identifiers: ClinVar variation 532560 (VCV000532560.2), dbSNP rs1553283895, ClinGen allele CA658795664.

ClinVar aggregate classification (germline): Pathogenic (1 of 4 stars; one submission).

Conditions:
heterogeneous nuclear ribonucleoprotein G, human.

Submission:

Labcorp Genetics (formerly Invitae), Labcorp
Classification: Pathogenic. Last evaluated: 2017-09-30. Review status: criteria provided, single submitter. Criteria: Invitae Variant Classification Sherloc (09022015). Collection method: clinical testing. Allele origin: germline.
Comment: This sequence change creates a premature translational stop signal (p.Gln162Serfs*35) in the HNRNPU gene. It is expected to result in an absent or disrupted protein product. This variant is not present in population databases (ExAC no frequency). This variant has not been reported in the literature in individuals with HNRNPU-related disease. Loss-of-function variants in HNRNPU are known to be pathogenic (PMID: 22678713, 28283832). For these reasons, this variant has been classified as Pathogenic.

Literature cited by the submitters: PubMed 22678713; PubMed 28283832.